The following is an entry in ClinVar:

ClinVar aggregate classification (germline): Pathogenic (1 of 4 stars; one submission).

Submission:

GeneDx
Classification: Pathogenic. Last evaluated: 2014-08-26. Review status: criteria provided, single submitter. Criteria: GeneDx Variant Classification (06012015). Collection method: clinical testing. Allele origin: germline. Affected: yes.
Comment: c.140delA: p.Asn47MetfsX45 (N47MfsX45) in exon 1 of the SCN1A gene (NM_001165963.1). The normal sequence with the base that is deleted in braces is GAAA{A}TGGC.The c.140delA mutation in the SCN1A gene causes a frameshift starting with codon Asparagine 47, changes this amino acid to a Methionine residue and creates a premature Stop codon at position 45 of the new reading frame, denoted p.Asn47MetfsX45. This mutation is predicted to cause loss of normal protein function either through protein truncation or nonsense-mediated mRNA decay. Although this mutation has not been previously reported to our knowledge, its presence is consistent with a diagnosis of SCN1A-related disorder. The variant is found in INFANT-EPI panel(s).

NM_001165963.4(SCN1A):c.140del (p.Asn47fs)

Gene: SCN1A (sodium voltage-gated channel alpha subunit 1; minus strand). Cytogenetic location: 2q24.3.
Variant type: Deletion.
Coding change: c.140del on transcript NM_001165963.4 (MANE Select); coding-DNA position 140, one base deleted (A; older notation c.140delA).
Protein change: p.Asn47fs; shifts the reading frame from asparagine 47.
Molecular consequence: frameshift variant. On other transcripts: 5 prime UTR variant (1), non-coding transcript variant (1).
Genome position (GRCh38, 1-based): chr2:166,073,482, T deleted on the plus strand (A on the coding strand, the reverse complement: SCN1A is on the minus strand); the first of 4 consecutive T bases (chr2:166,073,482-166,073,485); deleting any one gives the same sequence. VCF-style (leftmost placement, unchanged base first): chr2-166073481-AT-A. GRCh37 (hg19) VCF-style: chr2-166929991-AT-A.
Other names: c.140del, p.Asn47fs (NM_001165964.3, NM_001202435.3, NM_001353948.2 and 10 more transcripts); c.-2286del (NM_001353961.2); short protein forms N47fs.
Identifiers: ClinVar variation 206913 (VCV000206913.1), dbSNP rs796053075, ClinGen allele CA317731.